The following is an entry in ClinVar:

ClinVar aggregate classification (germline): Benign/Likely benign. Review status: criteria provided, multiple submitters, no conflicts (2 of 4 stars). 6 submissions from 6 submitters: Benign (4); Likely benign (2). Last evaluated 2026-02-02.

Allele frequency attached by ClinVar (database versions not stated): 1000 Genomes Project 30x 0.01405; gnomAD 0.01437 and 0.01553; 1000 Genomes Project 0.01438; TOPMed 0.01617; ESP Exome Variant Server 0.01707.
gnomAD v4.1: 4,547 of 1,614,040 alleles (0.28%); highest among the groups gnomAD compares: African/African-American, 5%; 96 homozygotes.

Submissions (6):

Labcorp Genetics (formerly Invitae), Labcorp
Classification: Benign. Last evaluated: 2026-02-02. Review status: criteria provided, single submitter. Criteria: Invitae Variant Classification Sherloc (09022015). Collection method: clinical testing. Allele origin: germline.

Athena Diagnostics
Classification: Benign. Last evaluated: 2024-06-06. Review status: criteria provided, single submitter. Criteria: Athena Diagnostics Criteria. Collection method: clinical testing. Allele origin: unknown.

Mayo Clinic Laboratories, Mayo Clinic
Classification: Benign. Last evaluated: 2018-07-16. Review status: criteria provided, single submitter. Criteria: ACMG Guidelines, 2015. Collection method: clinical testing. Allele origin: germline. Observed: 5 variant alleles.

GeneDx
Classification: Benign. Last evaluated: 2015-03-03. Review status: criteria provided, single submitter. Criteria: GeneDx Variant Classification Process June 2021. Collection method: clinical testing. Allele origin: germline. Affected: yes.

Genetic Services Laboratory, University of Chicago
Classification: Likely benign. Last evaluated: 2013-02-14. Review status: criteria provided, single submitter. Criteria: ACMG Guidelines, 2007. Collection method: clinical testing. Allele origin: germline. Inheritance: Autosomal recessive inheritance.
Comment: Likely benign based on allele frequency in 1000 Genomes Project or ESP global frequency and its presence in a patient with a rare or unrelated disease phenotype. NOT Sanger confirmed

Breakthrough Genomics
Classification: Likely benign. Review status: criteria provided, single submitter. Criteria: ACMG Guidelines, 2015. Collection method: not provided. Allele origin: germline. Inheritance: Autosomal dominant inheritance. Affected: yes.

NM_018943.3(TUBA8):c.816C>T (p.Tyr272=)

Gene: TUBA8 (tubulin alpha 8; plus strand). Cytogenetic location: 22q11.21.
Variant type: single nucleotide variant.
Coding change: c.816C>T on transcript NM_018943.3 (MANE Select); coding-DNA position 816, C replaced by T.
Protein change: p.Tyr272=; no amino-acid change (tyrosine 272 retained).
Molecular consequence: synonymous variant.
Genome position (GRCh38, 1-based): chr22:18,126,794, C>T. VCF-style: chr22-18126794-C-T. GRCh37 (hg19) VCF-style: chr22-18609561-C-T.
Other names: p.Tyr272=; c.618C>T, p.Tyr206= (NM_001193414.2).
Identifiers: ClinVar variation 160174 (VCV000160174.21), dbSNP rs2234332, ClinGen allele CA173771.